The following is an entry in ClinVar:

NM_006231.4(POLE):c.6502G>A (p.Asp2168Asn)

Gene: POLE (DNA polymerase epsilon, catalytic subunit; minus strand). Cytogenetic location: 12q24.33.
Variant type: single nucleotide variant.
Coding change: c.6502G>A on transcript NM_006231.4 (MANE Select); coding-DNA position 6502, G replaced by A.
Protein change: p.Asp2168Asn; replaces aspartic acid 2168 with asparagine.
Molecular consequence: missense variant.
Genome position (GRCh38, 1-based): chr12:132,626,146, C>T on the plus strand (G>A on the coding strand, the complement: POLE is on the minus strand). VCF-style: chr12-132626146-C-T. GRCh37 (hg19) VCF-style: chr12-133202732-C-T.
Other names: short protein forms D2168N.
Identifiers: ClinVar variation 2746022 (VCV002746022.2), dbSNP rs2041833711, ClinGen allele CA387367237.

ClinVar aggregate classification (germline): Uncertain significance (1 of 4 stars; one submission).

Submission:

Labcorp Genetics (formerly Invitae), Labcorp
Classification: Uncertain significance. Last evaluated: 2024-08-08. Review status: criteria provided, single submitter. Criteria: Invitae Variant Classification Sherloc (09022015). Collection method: clinical testing. Allele origin: germline.
Comment: This sequence change replaces aspartic acid, which is acidic and polar, with asparagine, which is neutral and polar, at codon 2168 of the POLE protein (p.Asp2168Asn). This variant is not present in population databases (gnomAD no frequency). This variant has not been reported in the literature in individuals affected with POLE-related conditions. Advanced modeling of protein sequence and biophysical properties (such as structural, functional, and spatial information, amino acid conservation, physicochemical variation, residue mobility, and thermodynamic stability) performed at Invitae indicates that this missense variant is not expected to disrupt POLE protein function with a negative predictive value of 80%. In summary, the available evidence is currently insufficient to determine the role of this variant in disease. Therefore, it has been classified as a Variant of Uncertain Significance.